The following is an entry in ClinVar:

ClinVar aggregate classification (germline): Uncertain significance (1 of 4 stars; one submission).

Conditions:
Hereditary cancer-predisposing syndrome. Also called: Neoplastic Syndromes, Hereditary; Hereditary neoplastic syndrome; Tumor predisposition; Hereditary Cancer Syndrome. Identifiers: Orphanet 140162, MedGen C0027672, MeSH D009386, MONDO:0015356.

Submission:

Ambry Genetics
Classification: Uncertain significance for Hereditary cancer-predisposing syndrome. Last evaluated: 2026-02-20. Review status: criteria provided, single submitter. Criteria: Ambry Variant Classification Scheme 2023. Collection method: clinical testing. Allele origin: germline.
Comment: The p.H68R variant (also known as c.203A>G), located in coding exon 2 of the BARD1 gene, results from an A to G substitution at nucleotide position 203. The histidine at codon 68 is replaced by arginine, an amino acid with highly similar properties. This amino acid position is highly conserved in available vertebrate species. In addition, this alteration is predicted to be deleterious by in silico analysis. Based on the available evidence, the clinical significance of this variant remains unclear.

NM_000465.4(BARD1):c.203A>G (p.His68Arg)

Gene: BARD1 (BRCA1 associated RING domain 1; minus strand). Cytogenetic location: 2q35.
Variant type: single nucleotide variant.
Coding change: c.203A>G on transcript NM_000465.4 (MANE Select); coding-DNA position 203, A replaced by G.
Protein change: p.His68Arg; replaces histidine 68 with arginine.
Molecular consequence: missense variant. On other transcripts: non-coding transcript variant (2), intron variant (2).
Genome position (GRCh38, 1-based): chr2:214,797,073, T>C on the plus strand (A>G on the coding strand, the complement: BARD1 is on the minus strand). VCF-style: chr2-214797073-T-C. GRCh37 (hg19) VCF-style: chr2-215661797-T-C.
Other names: c.203A>G, p.His68Arg (NM_001282545.2, NM_001282549.2); c.158+12339A>G (NM_001282548.2); c.159-4628A>G (NM_001282543.2); short protein forms H68R.
Identifiers: ClinVar variation 4824131 (VCV004824131.1).